The following is an entry in ClinVar:

NM_020921.4(NIN):c.3740A>G (p.Lys1247Arg)

Gene: NIN (ninein; minus strand). Cytogenetic location: 14q22.1.
Variant type: single nucleotide variant.
Coding change: c.3740A>G on transcript NM_020921.4 (MANE Select); coding-DNA position 3740, A replaced by G.
Protein change: p.Lys1247Arg; replaces lysine 1247 with arginine.
Molecular consequence: missense variant. On other transcripts: intron variant (1).
Genome position (GRCh38, 1-based): chr14:50,757,290, T>C on the plus strand (A>G on the coding strand, the complement: NIN is on the minus strand). VCF-style: chr14-50757290-T-C. GRCh37 (hg19) VCF-style: chr14-51224008-T-C.
Other names: c.3740A>G, p.Lys1247Arg (NM_182944.3, NM_182946.2); c.2400-2423A>G (NM_016350.5); short protein forms K1247R.
Identifiers: ClinVar variation 1433641 (VCV001433641.6), dbSNP rs146912183, ClinGen allele CA7181688.

ClinVar aggregate classification (germline): Uncertain significance (1 of 4 stars; one submission).

Allele frequency attached by ClinVar (database versions not stated): TOPMed 0.00005; gnomAD 0.00007; gnomAD exomes 0.00008; ExAC 0.00012; ESP Exome Variant Server 0.00023.
gnomAD v4.1: 130 of 1,614,046 alleles (0.0081%); highest among the groups gnomAD compares: Non-Finnish European, 0.01%; no homozygotes.

Submission:

Labcorp Genetics (formerly Invitae), Labcorp
Classification: Uncertain significance. Last evaluated: 2026-01-20. Review status: criteria provided, single submitter. Criteria: Invitae Variant Classification Sherloc (09022015). Collection method: clinical testing. Allele origin: germline.
Comment: This sequence change replaces lysine, which is basic and polar, with arginine, which is basic and polar, at codon 1247 of the NIN protein (p.Lys1247Arg). This variant is present in population databases (rs146912183, gnomAD 0.01%). This variant has not been reported in the literature in individuals affected with NIN-related conditions. ClinVar contains an entry for this variant (Variation ID: 1433641). An algorithm developed to predict the effect of missense changes on protein structure and function outputs the following: PolyPhen-2: "Benign". The arginine amino acid residue is found in multiple mammalian species, which suggests that this missense change does not adversely affect protein function. In summary, the available evidence is currently insufficient to determine the role of this variant in disease. Therefore, it has been classified as a Variant of Uncertain Significance.